The following is an entry in ClinVar:

ClinVar aggregate classification (germline): Uncertain significance (1 of 4 stars; one submission).

Allele frequency attached by ClinVar (database versions not stated): ExAC 0.00001; gnomAD 0.00001.
gnomAD v4.1: 2 of 1,613,936 alleles (0.00012%); highest among the groups gnomAD compares: East Asian, 0.0022%; no homozygotes.

Submission:

CeGaT Center for Human Genetics Tuebingen
Classification: Uncertain significance. Last evaluated: 2023-04-01. Review status: criteria provided, single submitter. Criteria: CeGaT Center For Human Genetics Tuebingen Variant Classification Criteria Version 2. Collection method: clinical testing. Allele origin: germline. Affected: yes. Observed: 1 variant allele.
Comment: SMARCC2: PP2, BP4

NM_001330288.2(SMARCC2):c.2440G>C (p.Glu814Gln)

Gene: SMARCC2 (SWI/SNF related BAF chromatin remodeling complex subunit C2; minus strand). Cytogenetic location: 12q13.2.
Variant type: single nucleotide variant.
Coding change: c.2440G>C on transcript NM_001330288.2 (MANE Select); coding-DNA position 2440, G replaced by C.
Protein change: p.Glu814Gln; replaces glutamic acid 814 with glutamine.
Molecular consequence: missense variant.
Genome position (GRCh38, 1-based): chr12:56,169,884, C>G on the plus strand (G>C on the coding strand, the complement: SMARCC2 is on the minus strand). VCF-style: chr12-56169884-C-G. GRCh37 (hg19) VCF-style: chr12-56563668-C-G.
Other names: c.2440G>C, p.Glu814Gln (NM_001130420.3, NM_139067.4); c.2347G>C, p.Glu783Gln (NM_003075.5); short protein forms E783Q, E814Q.
Identifiers: ClinVar variation 2643076 (VCV002643076.24), dbSNP rs768938011, ClinGen allele CA6625778.